The following is an entry in ClinVar:

NM_001482.3(GATM):c.742G>A (p.Glu248Lys)

Gene: GATM (glycine amidinotransferase; minus strand). Cytogenetic location: 15q21.1.
Variant type: single nucleotide variant.
Coding change: c.742G>A on transcript NM_001482.3 (MANE Select); coding-DNA position 742, G replaced by A.
Protein change: p.Glu248Lys; replaces glutamic acid 248 with lysine.
Molecular consequence: missense variant.
Genome position (GRCh38, 1-based): chr15:45,366,442, C>T on the plus strand (G>A on the coding strand, the complement: GATM is on the minus strand). VCF-style: chr15-45366442-C-T. GRCh37 (hg19) VCF-style: chr15-45658640-C-T.
Other names: c.355G>A, p.Glu119Lys (NM_001321015.2); short protein forms E119K, E248K.
Identifiers: ClinVar variation 1407798 (VCV001407798.8), dbSNP rs1388250183, ClinGen allele CA392259007.

ClinVar aggregate classification (germline): Uncertain significance (1 of 4 stars; one submission).

Conditions:
Arginine:glycine amidinotransferase deficiency (CCDS3). Also called: L-Arginine:Glycine Amidinotransferase (AGAT) Deficiency; Cerebral creatine deficiency syndrome 3; AGAT deficiency; L-Arginine:Glycine Amidinotransferase Deficiency; Creatine deficiency syndrome due to AGAT deficiency; GATM deficiency. Identifiers: Orphanet 35704, MedGen C2675179, MONDO:0012996, OMIM 612718.

Allele frequency attached by ClinVar (database versions not stated): gnomAD exomes below 0.00001; gnomAD 0.00001; TOPMed 0.00001.
gnomAD v4.1: 8 of 1,614,062 alleles (0.0005%); highest among the groups gnomAD compares: Non-Finnish European, 0.00068%; no homozygotes.

Submission:

Labcorp Genetics (formerly Invitae), Labcorp
Classification: Uncertain significance for Arginine:glycine amidinotransferase deficiency. Last evaluated: 2023-07-21. Review status: criteria provided, single submitter. Criteria: Invitae Variant Classification Sherloc (09022015). Collection method: clinical testing. Allele origin: germline.
Comment: Advanced modeling of protein sequence and biophysical properties (such as structural, functional, and spatial information, amino acid conservation, physicochemical variation, residue mobility, and thermodynamic stability) performed at Invitae indicates that this missense variant is expected to disrupt GATM protein function. This sequence change replaces glutamic acid, which is acidic and polar, with lysine, which is basic and polar, at codon 248 of the GATM protein (p.Glu248Lys). This variant is present in population databases (no rsID available, gnomAD 0.0009%). This variant has not been reported in the literature in individuals affected with GATM-related conditions. ClinVar contains an entry for this variant (Variation ID: 1407798). In summary, the available evidence is currently insufficient to determine the role of this variant in disease. Therefore, it has been classified as a Variant of Uncertain Significance.